The following is an entry in ClinVar:

NM_001145358.2(SIN3A):c.2955_2956del (p.Glu985fs)

Gene: SIN3A (SIN3 transcription regulator family member A; minus strand). Cytogenetic location: 15q24.2.
Variant type: Microsatellite.
Coding change: c.2955_2956del on transcript NM_001145358.2 (MANE Select); coding-DNA positions 2955 to 2956, 2 bases deleted (GA; older notation c.2955_2956delGA).
Protein change: p.Glu985fs; shifts the reading frame from glutamic acid 985.
Molecular consequence: frameshift variant.
Genome position (GRCh38, 1-based): chr15:75,389,717-75,389,718, TC deleted on the plus strand (GA on the coding strand, the reverse complement: SIN3A is on the minus strand); deleting any 2 consecutive bases within chr15:75,389,717-75,389,724 gives the same sequence; the c. name uses the placement nearest the transcript's 3' end. VCF-style (leftmost placement, unchanged base first): chr15-75389716-ATC-A. GRCh37 (hg19) VCF-style: chr15-75682057-ATC-A.
Other names: c.2955_2956del, p.Glu985fs (NM_001145357.2, NM_015477.3); short protein forms E985fs.
Identifiers: ClinVar variation 253073 (VCV000253073.2), dbSNP rs886037847, ClinGen allele CA10586183.
Genomic context (GRCh38, chr15:75,389,716, plus strand): 5'-CTGACAATGCTCTGGATCAGTTTGTCCATGGTAAAGGCAATGTAGGCATGAATGGTGAAC[ATC>A]TCTCTCAGTGAATCTTCATACTGTGATGAGTCTATGTTGCCATCCAGCAGGCTCCGCACC-3'

ClinVar aggregate classification (germline): Pathogenic/Likely pathogenic. Review status: no assertion criteria provided (0 of 4 stars). 2 submissions from 2 submitters: Pathogenic (1); Likely pathogenic (1). Last evaluated 2022-06-01.

Conditions:
SIN3A-related intellectual disability syndrome due to a point mutation. Also called: WITTEVEEN-KOLK SYNDROME; 15q24 Microdeletion Syndrome. Identifiers: Orphanet 500166, Orphanet 94065, MedGen C4310804, MONDO:0044700, OMIM 613406.

Submissions (2):

Solve-RD Consortium
Classification: Likely pathogenic for SIN3A-related intellectual disability syndrome due to a point mutation. Last evaluated: 2022-06-01. Review status: no assertion criteria provided. Collection method: provider interpretation. Allele origin: inherited. Affected: yes.
Comment: Variant confirmed as disease-causing by referring clinical team

Variant identified during reanalysis of unsolved cases by the Solve-RD project. The Solve-RD project has received funding from the European Union’s Horizon 2020 research and innovation programme under grant agreement No 779257.

OMIM
Classification: Pathogenic for WITTEVEEN-KOLK SYNDROME. Last evaluated: 2016-08-12. Review status: no assertion criteria provided. Collection method: literature only. Allele origin: germline.

Literature cited by the submitters: PubMed 39825153 (cited by Solve-RD Consortium); PubMed 27399968 (cited by OMIM).